The following is an entry in ClinVar:

NM_001348716.2(KDM6B):c.4909-3C>A

Gene: KDM6B (lysine demethylase 6B; plus strand). Cytogenetic location: 17p13.1.
Variant type: single nucleotide variant.
Coding change: c.4909-3C>A on transcript NM_001348716.2 (MANE Select); 3 bases into the intron before coding-DNA position 4909, C replaced by A.
Molecular consequence: intron variant. On other transcripts: missense variant (1).
Genome position (GRCh38, 1-based): chr17:7,853,495, C>A. VCF-style: chr17-7853495-C-A. GRCh37 (hg19) VCF-style: chr17-7756813-C-A.
Other names: c.5023C>A, p.Gln1675Lys (NM_001080424.2); short protein forms Q1675K.
Identifiers: ClinVar variation 4883309 (VCV004883309.2).
Genomic context (GRCh38, chr17:7,853,495, plus strand): 5'-GGGACGGGCTTCGGGAGCCCGGCCGCGCCTTTCCCTGAGCCCCCGCCGGCTTTCTCCCCC[C>A]AGGCCCCAGCCAGCACGTCGCGATGAGGCCGGACGCCCCGCCCGCCTGCCTGCCCGCGCA-3'

ClinVar aggregate classification (germline): Uncertain significance (1 of 4 stars; one submission).

Submission:

Dasa
Classification: Uncertain significance. Last evaluated: 2025-05-06. Review status: criteria provided, single submitter. Criteria: DASA Assertion Criteria. Collection method: clinical testing. Allele origin: germline.
Comment: NM_001080424.2(KDM6B):c.5023C>A (p.Gln1675Lys) is a missense variant that results in the substitution of glutamine with lysine. This variant is rare in population databases. Computational prediction algorithms are consistent with a benign effect. The currently available literature and clinical evidence are not sufficient to establish a definitive association between this variant and the reported condition. Therefore, this variant is classified as a variant of uncertain significance.